The following is an entry in ClinVar:

ClinVar aggregate classification (germline): Uncertain significance. Review status: criteria provided, multiple submitters, no conflicts (2 of 4 stars). 3 submissions from 3 submitters: Uncertain significance (3). Last evaluated 2025-02-26.

Conditions:
Inborn genetic diseases. Identifiers: MedGen C0950123, MeSH D030342.

Allele frequency attached by ClinVar (database versions not stated): gnomAD exomes 0.00002 and 0.00010; gnomAD 0.00003 and 0.00004; ExAC 0.00004; TOPMed 0.00004.

Submissions (3):

Ambry Genetics
Classification: Uncertain significance for Inborn genetic diseases. Last evaluated: 2025-02-26. Review status: criteria provided, single submitter. Criteria: Ambry Variant Classification Scheme 2023. Collection method: clinical testing. Allele origin: germline.

Labcorp Genetics (formerly Invitae), Labcorp
Classification: Uncertain significance. Last evaluated: 2023-12-07. Review status: criteria provided, single submitter. Criteria: Invitae Variant Classification Sherloc (09022015). Collection method: clinical testing. Allele origin: germline.
Comment: This sequence change replaces glutamic acid, which is acidic and polar, with glycine, which is neutral and non-polar, at codon 208 of the PDE6A protein (p.Glu208Gly). This variant is present in population databases (rs752916121, gnomAD 0.06%). This variant has not been reported in the literature in individuals affected with PDE6A-related conditions. ClinVar contains an entry for this variant (Variation ID: 1419717). Advanced modeling of protein sequence and biophysical properties (such as structural, functional, and spatial information, amino acid conservation, physicochemical variation, residue mobility, and thermodynamic stability) has been performed at Invitae for this missense variant, however the output from this modeling did not meet the statistical confidence thresholds required to predict the impact of this variant on PDE6A protein function. In summary, the available evidence is currently insufficient to determine the role of this variant in disease. Therefore, it has been classified as a Variant of Uncertain Significance.

Blueprint Genetics
Classification: Uncertain significance. Last evaluated: 2022-01-13. Review status: criteria provided, single submitter. Criteria: ACMG Guidelines, 2015. Collection method: clinical testing. Allele origin: germline.

NM_000440.3(PDE6A):c.623A>G (p.Glu208Gly)

Gene: PDE6A (phosphodiesterase 6A; minus strand). Cytogenetic location: 5q32.
Variant type: single nucleotide variant.
Coding change: c.623A>G on transcript NM_000440.3 (MANE Select); coding-DNA position 623, A replaced by G.
Protein change: p.Glu208Gly; replaces glutamic acid 208 with glycine.
Molecular consequence: missense variant.
Genome position (GRCh38, 1-based): chr5:149,934,570, T>C on the plus strand (A>G on the coding strand, the complement: PDE6A is on the minus strand). VCF-style: chr5-149934570-T-C. GRCh37 (hg19) VCF-style: chr5-149314133-T-C.
Other names: c.623A>G (NM_000440.2); short protein forms E208G.
Identifiers: ClinVar variation 1419717 (VCV001419717.8), dbSNP rs752916121, ClinGen allele CA3505012.